The following is an entry in ClinVar:

NM_000492.4(CFTR):c.1981del (p.Ile661fs)

Gene: CFTR (CF transmembrane conductance regulator; plus strand). Cytogenetic location: 7q31.2.
Variant type: Deletion.
Coding change: c.1981del on transcript NM_000492.4 (MANE Select); coding-DNA position 1981, one base deleted (A; older notation c.1981delA).
Protein change: p.Ile661fs; shifts the reading frame from isoleucine 661.
Molecular consequence: frameshift variant.
Genome position (GRCh38, 1-based): chr7:117,592,148, A deleted; the last of 2 consecutive A bases (chr7:117,592,147-117,592,148); deleting either gives the same sequence. VCF-style (leftmost placement, unchanged base first): chr7-117592146-CA-C. GRCh37 (hg19) VCF-style: chr7-117232200-CA-C.
Other names: 2113delA; c.1981delA (NM_000492.3); short protein forms I661fs.
Identifiers: ClinVar variation 53419 (VCV000053419.3), dbSNP rs397508324, ClinGen allele CA326723.

ClinVar aggregate classification (germline): Pathogenic. Review status: criteria provided, multiple submitters, no conflicts (2 of 4 stars). 3 submissions from 3 submitters: Pathogenic (2). 1 of the submissions does not count toward it. Last evaluated 2022-09-05.

Conditions:
Cystic fibrosis (CF). Also called: MUCOVISCIDOSIS. Identifiers: Orphanet 586, MedGen C0010674, MONDO:0009061, OMIM 219700. Disease mechanism: loss of function.

Submissions (3):

Institute of Human Genetics, University of Leipzig Medical Center
Classification: Pathogenic for Cystic fibrosis. Last evaluated: 2022-09-05. Review status: criteria provided, single submitter. Criteria: ACMG Guidelines, 2015. Collection method: curation. Allele origin: unknown. Affected: yes. Observed: 1 variant allele.
Comment: The variant was classified in the context of a project re-classifying variants in the German Cystic Fibrosis Registry (Muko.e.V.). Criteria applied: PVS1, PM2_SUP, PM3, PP4

CFTR-France
Classification: Pathogenic for cystic fibrosis. Last evaluated: 2018-01-29. Review status: criteria provided, single submitter. Criteria: Claustres M et al. (Hum Mutat 2017). Collection method: curation. Allele origin: germline. Affected: yes.

ClinVar Staff, National Center for Biotechnology Information (NCBI)
No classification provided. Condition: CFTR-related disorders. Review status: no classification provided. Collection method: literature only. Allele origin: germline. Affected: yes. Not counted in ClinVar's aggregate classification.

Literature cited by the submitters: PubMed 9101301 (cited by ClinVar Staff, National Center for Biotechnology Information (NCBI)).